The following is an entry in ClinVar:

ClinVar aggregate classification (germline): Uncertain significance (1 of 4 stars; one submission).

Conditions:
Granulomatous disease, chronic, autosomal recessive, cytochrome b-positive, type 3. Also called: GRANULOMATOUS DISEASE, CHRONIC, DUE TO NCF4 DEFICIENCY; Granulomatous disease, chronic, autosomal recessive, cytochrome b-positive, type III; GRANULOMATOUS DISEASE, CHRONIC, AUTOSOMAL RECESSIVE, 3; CGD, AUTOSOMAL RECESSIVE CYTOCHROME b-POSITIVE, TYPE III. Identifiers: Orphanet 379, MedGen C3151409, MONDO:0013507, OMIM 613960.

Allele frequency attached by ClinVar (database versions not stated): gnomAD 0.00001 and 0.00002; TOPMed 0.00001; ExAC 0.00004; gnomAD exomes 0.00004; 1000 Genomes Project 0.00020; 1000 Genomes Project 30x 0.00031.
gnomAD v4.1: 39 of 1,612,444 alleles (0.0024%); highest among the groups gnomAD compares: East Asian, 0.013%; 1 homozygote.

Submission:

Labcorp Genetics (formerly Invitae), Labcorp
Classification: Uncertain significance for Granulomatous disease, chronic, autosomal recessive, cytochrome b-positive, type 3. Last evaluated: 2021-09-01. Review status: criteria provided, single submitter. Criteria: Invitae Variant Classification Sherloc (09022015). Collection method: clinical testing. Allele origin: germline.
Comment: This sequence change replaces arginine with cysteine at codon 153 of the NCF4 protein (p.Arg153Cys). The arginine residue is moderately conserved and there is a large physicochemical difference between arginine and cysteine. This variant is present in population databases (rs572795915, ExAC 0.02%). This variant has not been reported in the literature in individuals affected with NCF4-related conditions. Algorithms developed to predict the effect of missense changes on protein structure and function are either unavailable or do not agree on the potential impact of this missense change (SIFT: "Deleterious"; PolyPhen-2: "Possibly Damaging"; Align-GVGD: "Class C0"). In summary, the available evidence is currently insufficient to determine the role of this variant in disease. Therefore, it has been classified as a Variant of Uncertain Significance.

NM_000631.5(NCF4):c.457C>T (p.Arg153Cys)

Gene: NCF4 (neutrophil cytosolic factor 4; plus strand). Cytogenetic location: 22q12.3.
Variant type: single nucleotide variant.
Coding change: c.457C>T on transcript NM_000631.5 (MANE Select); coding-DNA position 457, C replaced by T.
Protein change: p.Arg153Cys; replaces arginine 153 with cysteine.
Molecular consequence: missense variant.
Genome position (GRCh38, 1-based): chr22:36,870,529, C>T. VCF-style: chr22-36870529-C-T. GRCh37 (hg19) VCF-style: chr22-37266571-C-T.
Other names: c.457C>T, p.Arg153Cys (NM_013416.4); short protein forms R153C.
Identifiers: ClinVar variation 1353853 (VCV001353853.5), dbSNP rs572795915, ClinGen allele CA10213002.
Genomic context (GRCh38, chr22:36,870,529, plus strand): 5'-TTTTACCAGTCGCCCTATGACTCAGAGCAGGTGCCCCAGGCACTCCGCCGGCTCCGCCCG[C>T]GCACCCGGAAAGTGTAAGTGACCAGCCCCTGGGCTTCCACATGGCCAGAGCCCTGGGTCC-3'
Protein context (NP_000622.2, residues 143-163): VPQALRRLRP[Arg153Cys]TRKVKSVSPQ